The following is an entry in ClinVar:

ClinVar aggregate classification (germline): Uncertain significance (1 of 4 stars; one submission).

Conditions:
Glanzmann thrombasthenia. Also called: Glanzmann's thrombasthenia; BLEEDING DISORDER, PLATELET-TYPE, 2; THROMBASTHENIA OF GLANZMANN AND NAEGELI; PLATELET GLYCOPROTEIN IIb-IIIa DEFICIENCY; Thrombasthenia. Identifiers: Orphanet 849, MedGen C0040015, MONDO:0100326.

Allele frequency attached by ClinVar (database versions not stated): gnomAD exomes below 0.00001 and 0.00001; ExAC 0.00001; TOPMed 0.00002; gnomAD 0.00003; ESP Exome Variant Server 0.00008.
gnomAD v4.1: 11 of 1,613,692 alleles (0.00068%); highest among the groups gnomAD compares: African/African-American, 0.004%; no homozygotes.

Submission:

Labcorp Genetics (formerly Invitae), Labcorp
Classification: Uncertain significance for Glanzmann thrombasthenia. Last evaluated: 2024-01-06. Review status: criteria provided, single submitter. Criteria: Invitae Variant Classification Sherloc (09022015). Collection method: clinical testing. Allele origin: germline.
Comment: This sequence change replaces arginine, which is basic and polar, with tryptophan, which is neutral and slightly polar, at codon 590 of the ITGA2B protein (p.Arg590Trp). This variant is present in population databases (rs373204738, gnomAD 0.002%). This variant has not been reported in the literature in individuals affected with ITGA2B-related conditions. ClinVar contains an entry for this variant (Variation ID: 1025150). Advanced modeling of protein sequence and biophysical properties (such as structural, functional, and spatial information, amino acid conservation, physicochemical variation, residue mobility, and thermodynamic stability) performed at Invitae indicates that this missense variant is expected to disrupt ITGA2B protein function with a positive predictive value of 80%. In summary, the available evidence is currently insufficient to determine the role of this variant in disease. Therefore, it has been classified as a Variant of Uncertain Significance.

NM_000419.5(ITGA2B):c.1768C>T (p.Arg590Trp)

Gene: ITGA2B (integrin subunit alpha 2b; minus strand). Cytogenetic location: 17q21.31.
Variant type: single nucleotide variant.
Coding change: c.1768C>T on transcript NM_000419.5 (MANE Select); coding-DNA position 1768, C replaced by T.
Protein change: p.Arg590Trp; replaces arginine 590 with tryptophan.
Molecular consequence: missense variant.
Genome position (GRCh38, 1-based): chr17:44,379,799, G>A on the plus strand (C>T on the coding strand, the complement: ITGA2B is on the minus strand). VCF-style: chr17-44379799-G-A. GRCh37 (hg19) VCF-style: chr17-42457167-G-A.
Other names: short protein forms R590W.
Identifiers: ClinVar variation 1025150 (VCV001025150.9), dbSNP rs373204738, ClinGen allele CA8602944.